The following is an entry in ClinVar:

NM_003412.4(ZIC1):c.312C>A (p.Asn104Lys)

Gene: ZIC1 (Zic family member 1; plus strand). Cytogenetic location: 3q24.
Variant type: single nucleotide variant.
Coding change: c.312C>A on transcript NM_003412.4 (MANE Select); coding-DNA position 312, C replaced by A.
Protein change: p.Asn104Lys; replaces asparagine 104 with lysine.
Molecular consequence: missense variant.
Genome position (GRCh38, 1-based): chr3:147,410,424, C>A. VCF-style: chr3-147410424-C-A. GRCh37 (hg19) VCF-style: chr3-147128211-C-A.
Other names: short protein forms N104K.
Identifiers: ClinVar variation 1049978 (VCV001049978.1), dbSNP rs1157722681, ClinGen allele CA354896422.
Genomic context (GRCh38, chr3:147,410,424, plus strand): 5'-CCACGTCGGCTCCTATTCCAGCGCAGCCTTCAACTCCACGCGGGACTTTCTGTTCCGCAA[C>A]CGGGGTTTTGGCGACGCGGCGGCGGCAGCCAGCGCACAGCACAGCCTCTTTGCTGCATCG-3'
Protein context (NP_003403.2, residues 94-114): FNSTRDFLFR[Asn104Lys]RGFGDAAAAA

ClinVar aggregate classification (germline): Uncertain significance (0 of 4 stars; one submission).

Submission:

Department of Pathology and Laboratory Medicine, Sinai Health System
Classification: Uncertain significance. Review status: no assertion criteria provided. Collection method: clinical testing. Allele origin: unknown. Affected: yes. Study: The Canadian Open Genetics Repository (COGR).
Comment: The ZIC1 p.Asn104Lys variant was not identified in the literature nor was it identified in dbSNP, ClinVar or in the following control databases: the 1000 Genomes Project, the NHLBI GO Exome Sequencing Project, or the Genome Aggregation Database (March 6, 2019, v2.1.1). The p.Asn104 residue is conserved across mammals and other organisms, and four out of five computational analyses (PolyPhen-2, SIFT, AlignGVGD, BLOSUM, MutationTaster) suggest that the variant may impact the protein; however, this information is not predictive enough to assume pathogenicity. The variant occurs outside of the splicing consensus sequence and in silico or computational prediction software programs (SpliceSiteFinder, MaxEntScan, NNSPLICE, GeneSplicer) do not predict a difference in splicing. In summary, based on the above information the clinical significance of this variant cannot be determined with certainty at this time. This variant is classified as a variant of uncertain significance.